The following is an entry in ClinVar:

NM_000051.4(ATM):c.2653T>G (p.Leu885Val)

Gene: ATM (ATM serine/threonine kinase; plus strand). Cytogenetic location: 11q22.3.
Variant type: single nucleotide variant.
Coding change: c.2653T>G on transcript NM_000051.4 (MANE Select); coding-DNA position 2653, T replaced by G.
Protein change: p.Leu885Val; replaces leucine 885 with valine.
Molecular consequence: missense variant.
Genome position (GRCh38, 1-based): chr11:108,268,424, T>G. VCF-style: chr11-108268424-T-G. GRCh37 (hg19) VCF-style: chr11-108139151-T-G.
Other names: c.2653T>G, p.Leu885Val (NM_001351834.2); short protein forms L885V.
Identifiers: ClinVar variation 2709332 (VCV002709332.3), dbSNP rs2497630422, ClinGen allele CA382545032.
Genomic context (GRCh38, chr11:108,268,424, plus strand): 5'-CTGTTGTGCCCTTCTCTTAGTGTTAATGAGTGCTTTTTATTTTTAGGTGCCATTAATCCT[T>G]TAGCTGAAGAATATCTGTCAAAGCAAGATCTACTTTTCTTAGACATGCTCAAGTTCTTGT-3'
Protein context (NP_000042.3, residues 875-895): SQSTIGAINP[Leu885Val]AEEYLSKQDL

ClinVar aggregate classification (germline): Uncertain significance (1 of 4 stars; one submission).

Conditions:
Ataxia-telangiectasia syndrome (AT). Also called: ATAXIA-TELANGIECTASIA, COMPLEMENTATION GROUP A; ATAXIA-TELANGIECTASIA, FRESNO VARIANT; Ataxia-telangiectasia, complementation group D; LOUIS-BAR SYNDROME; AT, COMPLEMENTATION GROUP C; Ataxia-telangiectasia. Identifiers: Orphanet 100, MedGen C0004135, MONDO:0008840, OMIM 208900.

Submission:

Labcorp Genetics (formerly Invitae), Labcorp
Classification: Uncertain significance for Ataxia-telangiectasia syndrome. Last evaluated: 2024-01-14. Review status: criteria provided, single submitter. Criteria: Invitae Variant Classification Sherloc (09022015). Collection method: clinical testing. Allele origin: germline.
Comment: This sequence change replaces leucine, which is neutral and non-polar, with valine, which is neutral and non-polar, at codon 885 of the ATM protein (p.Leu885Val). This variant is not present in population databases (gnomAD no frequency). This variant has not been reported in the literature in individuals affected with ATM-related conditions. An algorithm developed to predict the effect of missense changes on protein structure and function (PolyPhen-2) suggests that this variant is likely to be disruptive. In summary, the available evidence is currently insufficient to determine the role of this variant in disease. Therefore, it has been classified as a Variant of Uncertain Significance.